The following is an entry in ClinVar:

NM_002471.4(MYH6):c.5690A>G (p.Lys1897Arg)

Gene: MYH6 (myosin heavy chain 6; minus strand). Cytogenetic location: 14q11.2.
Variant type: single nucleotide variant.
Coding change: c.5690A>G on transcript NM_002471.4 (MANE Select); coding-DNA position 5690, A replaced by G.
Protein change: p.Lys1897Arg; replaces lysine 1897 with arginine.
Molecular consequence: missense variant.
Genome position (GRCh38, 1-based): chr14:23,382,534, T>C on the plus strand (A>G on the coding strand, the complement: MYH6 is on the minus strand). VCF-style: chr14-23382534-T-C. GRCh37 (hg19) VCF-style: chr14-23851743-T-C.
Other names: short protein forms K1897R.
Identifiers: ClinVar variation 1360781 (VCV001360781.13), dbSNP rs765849175, ClinGen allele CA7114304.

ClinVar aggregate classification (germline): Uncertain significance. Review status: criteria provided, multiple submitters, no conflicts (2 of 4 stars). 4 submissions from 4 submitters: Uncertain significance (4). Last evaluated 2025-02-07.

Conditions:
Hypertrophic cardiomyopathy 14. Identifiers: MedGen C2750467, MONDO:0013197, OMIM 613251.
Cardiovascular phenotype. Identifiers: MedGen CN230736.

Allele frequency attached by ClinVar (database versions not stated): TOPMed 0.00001; gnomAD exomes 0.00002 and 0.00005; ExAC 0.00004.
gnomAD v4.1: 13 of 1,614,176 alleles (0.00081%); highest among the groups gnomAD compares: Admixed American, 0.022%; no homozygotes.

Submissions (4):

GeneDx
Classification: Uncertain significance. Last evaluated: 2025-02-07. Review status: criteria provided, single submitter. Criteria: GeneDx Variant Classification Process June 2021. Collection method: clinical testing. Allele origin: germline. Affected: yes.
Comment: Published functional studies using mouse models suggest mildly impaired cardiac structure and function (PMID: 37443257); In silico analysis indicates that this missense variant does not alter protein structure/function; This variant is associated with the following publications: (PMID: 37443257)

Labcorp Genetics (formerly Invitae), Labcorp
Classification: Uncertain significance for Hypertrophic cardiomyopathy 14. Last evaluated: 2024-11-05. Review status: criteria provided, single submitter. Criteria: Invitae Variant Classification Sherloc (09022015). Collection method: clinical testing. Allele origin: germline.
Comment: This sequence change replaces lysine, which is basic and polar, with arginine, which is basic and polar, at codon 1897 of the MYH6 protein (p.Lys1897Arg). This variant is present in population databases (rs765849175, gnomAD 0.04%). This variant has not been reported in the literature in individuals affected with MYH6-related conditions. ClinVar contains an entry for this variant (Variation ID: 1360781). Invitae Evidence Modeling of protein sequence and biophysical properties (such as structural, functional, and spatial information, amino acid conservation, physicochemical variation, residue mobility, and thermodynamic stability) indicates that this missense variant is not expected to disrupt MYH6 protein function with a negative predictive value of 80%. Experimental studies have shown that this missense change affects MYH6 function (PMID: 37443257). In summary, the available evidence is currently insufficient to determine the role of this variant in disease. Therefore, it has been classified as a Variant of Uncertain Significance.

Ambry Genetics
Classification: Uncertain significance for Cardiovascular phenotype. Last evaluated: 2024-09-20. Review status: criteria provided, single submitter. Criteria: Ambry Variant Classification Scheme 2023. Collection method: clinical testing. Allele origin: germline.

Clinical Genomics Laboratory, Stanford Medicine
Classification: Uncertain significance. Last evaluated: 2021-08-30. Review status: criteria provided, single submitter. Criteria: ACMG Guidelines, 2015. Collection method: clinical testing. Allele origin: germline. Observed: 1 variant allele, 1 heterozygote.
Comment: The p.Lys1897Arg variant in the MYH6 gene has not been previously reported in association with disease. This variant has been identified in 12/34,588 Latino/Admixed American chromosomes by the Genome Aggregation Database. Computational tools predict that this variant does not impact protein function; however, the accuracy of in silico algorithms is limited. These data were assessed using the ACMG/AMP variant interpretation guidelines. In summary, the significance of the p.Lys1897Arg variant is uncertain. Additional information is needed to resolve the significance of this variant. [ACMG evidence codes used: BS1_Supporting]

Literature cited by the submitters: PubMed 37443257 (cited by Labcorp Genetics (formerly Invitae), Labcorp).